The following is an entry in ClinVar:

NM_001199138.2(NLRC4):c.1569C>T (p.Ile523=)

Gene: NLRC4 (NLR family CARD domain containing 4; minus strand). Cytogenetic location: 2p22.3.
Variant type: single nucleotide variant.
Coding change: c.1569C>T on transcript NM_001199138.2 (MANE Select); coding-DNA position 1569, C replaced by T.
Protein change: p.Ile523=; no amino-acid change (isoleucine 523 retained).
Molecular consequence: synonymous variant. On other transcripts: intron variant (1).
Genome position (GRCh38, 1-based): chr2:32,250,295, G>A on the plus strand (C>T on the coding strand, the complement: NLRC4 is on the minus strand). VCF-style: chr2-32250295-G-A. GRCh37 (hg19) VCF-style: chr2-32475364-G-A.
Other names: c.1569C>T, p.Ile523= (NM_001199139.2, NM_021209.5); c.262+2124C>T (NM_001302504.1).
Identifiers: ClinVar variation 794806 (VCV000794806.34), dbSNP rs758432190, ClinGen allele CA1601964.
Genomic context (GRCh38, chr2:32,250,295, plus strand): 5'-TTGCTCAGTGGTGTTTTTCACACTTTGCAAAGATTCCTGTCTCCAGAGAGGCCTCTTGGC[G>A]ATGGAAAGTCCGAGAAGGCAGCCGTGTTGATACACTGCTGCGAGGTGCTTCATAACAGCC-3'
Protein context (NP_001186067.1, residues 513-533): YQHGCLLGLS[Ile523=]AKRPLWRQES

ClinVar aggregate classification (germline): Conflicting classifications of pathogenicity. Review status: criteria provided, conflicting classifications (1 of 4 stars). 4 submissions from 4 submitters: Uncertain significance (1); Likely benign (3). Last evaluated 2025-08-22.

Conditions:
Familial cold autoinflammatory syndrome 4 (FCAS4). Identifiers: Orphanet 47045, Orphanet 576349, MedGen C4015276, MONDO:0014498, OMIM 616115.
Periodic fever-infantile enterocolitis-autoinflammatory syndrome. Also called: Autoinflammation with infantile enterocolitis. Identifiers: Orphanet 436166, MedGen C4015067, MONDO:0014472, OMIM 616050.
Autoinflammatory syndrome. Identifiers: Orphanet 93665, MedGen C3890737, MONDO:0019751.

Allele frequency attached by ClinVar (database versions not stated): gnomAD 0.00019 and 0.00017; TOPMed 0.00021.
gnomAD v4.1: 59 of 1,614,034 alleles (0.0037%); highest among the groups gnomAD compares: African/African-American, 0.044%; no homozygotes.

Submissions (4):

Labcorp Genetics (formerly Invitae), Labcorp
Classification: Likely benign for Periodic fever-infantile enterocolitis-autoinflammatory syndrome; Familial cold autoinflammatory syndrome 4. Last evaluated: 2025-08-22. Review status: criteria provided, single submitter. Criteria: Invitae Variant Classification Sherloc (09022015). Collection method: clinical testing. Allele origin: germline.

CeGaT Center for Human Genetics Tuebingen
Classification: Likely benign. Last evaluated: 2024-02-01. Review status: criteria provided, single submitter. Criteria: CeGaT Center For Human Genetics Tuebingen Variant Classification Criteria Version 2. Collection method: clinical testing. Allele origin: germline. Affected: yes. Observed: 1 variant allele.
Comment: NLRC4: BP4, BP7

Blueprint Genetics
Classification: Likely benign. Last evaluated: 2022-07-11. Review status: criteria provided, single submitter. Criteria: ACMG Guidelines, 2015. Collection method: clinical testing. Allele origin: germline.

Genome Diagnostics Laboratory, The Hospital for Sick Children
Classification: Uncertain significance for Autoinflammatory syndrome. Last evaluated: 2019-12-01. Review status: criteria provided, single submitter. Criteria: ACMG Guidelines, 2015. Collection method: clinical testing. Allele origin: germline. Affected: yes.